The following is an entry in ClinVar:

ClinVar aggregate classification (germline): Uncertain significance. Review status: criteria provided, multiple submitters, no conflicts (2 of 4 stars). 2 submissions from 2 submitters: Uncertain significance (2). Last evaluated 2024-03-07.

gnomAD v4.1: 1 of 1,612,924 alleles (0.000062%); highest among the groups gnomAD compares: Admixed American, 0.0017%; no homozygotes.

Submissions (2):

Ambry Genetics
Classification: Uncertain significance. Last evaluated: 2024-03-07. Review status: criteria provided, single submitter. Criteria: Ambry Variant Classification Scheme 2023. Collection method: clinical testing. Allele origin: germline.

Labcorp Genetics (formerly Invitae), Labcorp
Classification: Uncertain significance. Last evaluated: 2023-12-06. Review status: criteria provided, single submitter. Criteria: Invitae Variant Classification Sherloc (09022015). Collection method: clinical testing. Allele origin: germline.
Comment: This sequence change replaces leucine, which is neutral and non-polar, with phenylalanine, which is neutral and non-polar, at codon 121 of the YME1L1 protein (p.Leu121Phe). This variant is present in population databases (no rsID available, gnomAD 0.003%). This variant has not been reported in the literature in individuals affected with YME1L1-related conditions. ClinVar contains an entry for this variant (Variation ID: 1911013). An algorithm developed to predict the effect of missense changes on protein structure and function (PolyPhen-2) suggests that this variant is likely to be disruptive. In summary, the available evidence is currently insufficient to determine the role of this variant in disease. Therefore, it has been classified as a Variant of Uncertain Significance.

NM_014263.4(YME1L1):c.190C>T (p.Leu64Phe)

Gene: YME1L1 (YME1 like 1 ATPase; minus strand). Cytogenetic location: 10p12.1.
Variant type: single nucleotide variant.
Coding change: c.190C>T on transcript NM_014263.4 (MANE Select); coding-DNA position 190, C replaced by T.
Protein change: p.Leu64Phe; replaces leucine 64 with phenylalanine.
Molecular consequence: missense variant.
Genome position (GRCh38, 1-based): chr10:27,145,569, G>A on the plus strand (C>T on the coding strand, the complement: YME1L1 is on the minus strand). VCF-style: chr10-27145569-G-A. GRCh37 (hg19) VCF-style: chr10-27434498-G-A.
Other names: c.190C>T, p.Leu64Phe (NM_001253866.2); c.361C>T, p.Leu121Phe (NM_139312.3); c.361C>T (NM_139312.1); short protein forms L121F, L64F.
Identifiers: ClinVar variation 1911013 (VCV001911013.6), dbSNP rs1232826529, ClinGen allele CA376377194.
Genomic context (GRCh38, chr10:27,145,569, plus strand): 5'-CAGGAAGTAGATTTTCTACCAGCTGATCAATCTGTCCAATTTTTAGTTCAGATAATCCAA[G>A]GTCCCTTAAGTTAAGTGAAGGCTGTAAAAGATTGGGTCAACCAGGTATGCATTAATATTA-3'
Protein context (NP_055078.1, residues 54-74): SSEPSLNLRD[Leu64Phe]GLSELKIGQI